The following is an entry in ClinVar:

ClinVar aggregate classification (germline): Conflicting classifications of pathogenicity. Review status: criteria provided, conflicting classifications (1 of 4 stars). 7 submissions from 7 submitters: Uncertain significance (6); Likely benign (1). Last evaluated 2025-08-18.

Conditions:
BRCA2-related cancer predisposition. Identifiers: MedGen CN377758, MONDO:0700269.
Hereditary cancer-predisposing syndrome. Also called: Neoplastic Syndromes, Hereditary; Tumor predisposition; Hereditary neoplastic syndrome; Hereditary Cancer Syndrome. Identifiers: Orphanet 140162, MedGen C0027672, MeSH D009386, MONDO:0015356.
Hereditary breast ovarian cancer syndrome. Also called: Hereditary breast and ovarian cancer syndrome; Hereditary breast and ovarian cancer; Hereditary breast and ovarian cancer syndrome (HBOC); Breast and ovarian cancer; Hereditary breast and/or ovarian cancer syndrome; BRCA1- and BRCA2-Associated Hereditary Breast and Ovarian Cancer. Identifiers: Orphanet 145, MedGen C0677776, MeSH D061325, MONDO:0003582. Disease mechanism: loss of function.

Allele frequency attached by ClinVar (database versions not stated): gnomAD exomes below 0.00001; ExAC 0.00001; TOPMed 0.00001.
gnomAD v4.1: 1 of 1,613,962 alleles (0.000062%); highest among the groups gnomAD compares: Admixed American, 0.0017%; no homozygotes.

Submissions (7):

Labcorp Genetics (formerly Invitae), Labcorp
Classification: Uncertain significance for Hereditary breast ovarian cancer syndrome. Last evaluated: 2025-08-18. Review status: criteria provided, single submitter. Criteria: Invitae Variant Classification Sherloc (09022015). Collection method: clinical testing. Allele origin: germline.
Comment: This sequence change replaces phenylalanine, which is neutral and non-polar, with leucine, which is neutral and non-polar, at codon 2234 of the BRCA2 protein (p.Phe2234Leu). This variant is present in population databases (rs769956199, gnomAD 0.003%). This missense change has been observed in individual(s) with personal and/or family history of breast and ovarian cancer (PMID: 18060494). This variant is also known as c.6928T>C. ClinVar contains an entry for this variant (Variation ID: 628311). Invitae Evidence Modeling of protein sequence and biophysical properties (such as structural, functional, and spatial information, amino acid conservation, physicochemical variation, residue mobility, and thermodynamic stability) indicates that this missense variant is not expected to disrupt BRCA2 protein function with a negative predictive value of 95%. In summary, the available evidence is currently insufficient to determine the role of this variant in disease. Therefore, it has been classified as a Variant of Uncertain Significance.

All of Us Research Program, National Institutes of Health
Classification: Uncertain significance for BRCA2-related cancer predisposition. Last evaluated: 2024-08-13. Review status: criteria provided, single submitter. Criteria: ACMG Guidelines, 2015. Collection method: clinical testing. Allele origin: germline. Inheritance: Autosomal dominant inheritance. Observed: 2 variant alleles, 2 heterozygotes.
Comment: This missense variant replaces phenylalanine with leucine at codon 2234 of the BRCA2 protein. Computational prediction is inconclusive regarding the impact of this variant on protein structure and function. To our knowledge, functional studies have not been reported for this variant. This variant has been detected in a suspected hereditary breast cancer family (PMID: 18060494). This variant has been identified in 1/251294 chromosomes in the general population by the Genome Aggregation Database (gnomAD). The available evidence is insufficient to determine the role of this variant in disease conclusively. Therefore, this variant is classified as a Variant of Uncertain Significance.

This study involves interpretation of variants in research participants for the purpose of population health screening. Participant phenotype was not available at the time of variant classification. Additional details can be found in publication PMID: 35346344, PMCID: PMC8962531

Color Diagnostics, LLC DBA Color Health
Classification: Uncertain significance for Hereditary cancer-predisposing syndrome. Last evaluated: 2024-07-24. Review status: criteria provided, single submitter. Criteria: ACMG Guidelines, 2015. Collection method: clinical testing. Allele origin: germline.
Comment: This missense variant replaces phenylalanine with leucine at codon 2234 of the BRCA2 protein. Computational prediction is inconclusive regarding the impact of this variant on protein structure and function. To our knowledge, functional studies have not been reported for this variant. This variant has been detected in a suspected hereditary breast cancer family (PMID: 18060494). This variant has been identified in 1/251294 chromosomes in the general population by the Genome Aggregation Database (gnomAD). The available evidence is insufficient to determine the role of this variant in disease conclusively. Therefore, this variant is classified as a Variant of Uncertain Significance.

University of Washington Department of Laboratory Medicine, University of Washington
Classification: Likely benign for Hereditary cancer-predisposing syndrome. Last evaluated: 2023-03-23. Review status: criteria provided, single submitter. Criteria: Dines et al. (Genet Med. 2020). Collection method: curation. Allele origin: germline.
Comment: Missense variant in a coldspot region where missense variants are very unlikely to be pathogenic (PMID:31911673).

BRCA2 exon 11 coldspot. Reclassification based on statistical prior probability.

Ambry Genetics
Classification: Uncertain significance for Hereditary cancer-predisposing syndrome. Last evaluated: 2023-02-23. Review status: criteria provided, single submitter. Criteria: Ambry Variant Classification Scheme 2023. Collection method: clinical testing. Allele origin: germline.
Comment: The p.F2234L variant (also known as c.6700T>C), located in coding exon 10 of the BRCA2 gene, results from a T to C substitution at nucleotide position 6700. The phenylalanine at codon 2234 is replaced by leucine, an amino acid with highly similar properties. This alteration has been reported in one Spanish hereditary breast cancer family (Esteban Carde&ntilde;osa E et al. Breast Cancer Res. Treat., 2008 Nov;112:69-73). This amino acid position is highly conserved in available vertebrate species. In addition, the in silico prediction for this alteration is inconclusive. Since supporting evidence is limited at this time, the clinical significance of this alteration remains unclear.

Quest Diagnostics Nichols Institute San Juan Capistrano
Classification: Uncertain significance. Last evaluated: 2023-02-23. Review status: criteria provided, single submitter. Criteria: Quest Diagnostics criteria. Collection method: clinical testing. Allele origin: unknown.
Comment: The frequency of this variant in the general population, 0.000004 (1/251294 chromosomes), is uninformative in assessment of its pathogenicity. In the published literature, the variant has been reported in a family with breast and ovarian cancer (PMID: 18060494 (2008)). Analysis of this variant using bioinformatics tools for the prediction of the effect of amino acid changes on protein structure and function yielded conflicting predictions that this variant is benign or damaging. Based on the available information, we are unable to determine the clinical significance of this variant.

GeneDx
Classification: Uncertain significance. Last evaluated: 2019-10-29. Review status: criteria provided, single submitter. Criteria: GeneDx Variant Classification Process June 2021. Collection method: clinical testing. Allele origin: germline. Affected: yes.
Comment: Observed in individuals with breast and/or ovarian cancer (Esteban Cardenosa 2008); Not observed at a significant frequency in large population cohorts (Lek 2016); In silico analysis, which includes protein predictors and evolutionary conservation, supports that this variant does not alter protein structure/function; Also known as 6928T>C; This variant is associated with the following publications: (PMID: 18060494)

Literature cited by the submitters: PubMed 18060494 (cited by 5 submitters).

NM_000059.4(BRCA2):c.6700T>C (p.Phe2234Leu)

Gene: BRCA2 (BRCA2 DNA repair associated; plus strand). Cytogenetic location: 13q13.1.
Variant type: single nucleotide variant.
Coding change: c.6700T>C on transcript NM_000059.4 (MANE Select); coding-DNA position 6700, T replaced by C.
Protein change: p.Phe2234Leu; replaces phenylalanine 2234 with leucine.
Molecular consequence: missense variant.
Genome position (GRCh38, 1-based): chr13:32,341,055, T>C. VCF-style: chr13-32341055-T-C. GRCh37 (hg19) VCF-style: chr13-32915192-T-C.
Other names: short protein forms F2234L.
Identifiers: ClinVar variation 628311 (VCV000628311.22), dbSNP rs769956199, ClinGen allele CA6940975.
Genomic context (GRCh38, chr13:32,341,055, plus strand): 5'-ACTTACTCCAAAGATTCAGAAAACTACTTTGAAACAGAAGCAGTAGAAATTGCTAAAGCT[T>C]TTATGGAAGATGATGAACTGACAGATTCTAAACTGCCAAGTCATGCCACACATTCTCTTT-3'
Protein context (NP_000050.3, residues 2224-2244): ETEAVEIAKA[Phe2234Leu]MEDDELTDSK